The following is an entry in ClinVar:

ClinVar aggregate classification (germline): Uncertain significance. Review status: criteria provided, multiple submitters, no conflicts (2 of 4 stars). 2 submissions from 2 submitters: Uncertain significance (2). Last evaluated 2025-02-08.

Allele frequency attached by ClinVar (database versions not stated): gnomAD 0.00001; TOPMed 0.00002; ExAC 0.00003; gnomAD exomes 0.00003 and 0.00006.
gnomAD v4.1: 90 of 1,614,112 alleles (0.0056%); highest among the groups gnomAD compares: Non-Finnish European, 0.0071%; no homozygotes.

Submissions (2):

Ambry Genetics
Classification: Uncertain significance. Last evaluated: 2025-02-08. Review status: criteria provided, single submitter. Criteria: Ambry Variant Classification Scheme 2023. Collection method: clinical testing. Allele origin: germline.

Labcorp Genetics (formerly Invitae), Labcorp
Classification: Uncertain significance. Last evaluated: 2025-02-03. Review status: criteria provided, single submitter. Criteria: Invitae Variant Classification Sherloc (09022015). Collection method: clinical testing. Allele origin: germline.
Comment: This sequence change replaces histidine, which is basic and polar, with arginine, which is basic and polar, at codon 140 of the DHX32 protein (p.His140Arg). This variant is present in population databases (rs774570599, gnomAD 0.008%). This variant has not been reported in the literature in individuals affected with DHX32-related conditions. ClinVar contains an entry for this variant (Variation ID: 1377760). An algorithm developed to predict the effect of missense changes on protein structure and function (PolyPhen-2) suggests that this variant is likely to be disruptive. In summary, the available evidence is currently insufficient to determine the role of this variant in disease. Therefore, it has been classified as a Variant of Uncertain Significance.

NM_018180.3(DHX32):c.419A>G (p.His140Arg)

Gene: DHX32 (DEAH-box helicase 32 (putative); minus strand). Cytogenetic location: 10q26.2.
Variant type: single nucleotide variant.
Coding change: c.419A>G on transcript NM_018180.3 (MANE Select); coding-DNA position 419, A replaced by G.
Protein change: p.His140Arg; replaces histidine 140 with arginine.
Molecular consequence: missense variant.
Genome position (GRCh38, 1-based): chr10:125,867,047, T>C on the plus strand (A>G on the coding strand, the complement: DHX32 is on the minus strand). VCF-style: chr10-125867047-T-C. GRCh37 (hg19) VCF-style: chr10-127555616-T-C.
Other names: c.419A>G (NM_018180.2); short protein forms H140R.
Identifiers: ClinVar variation 1377760 (VCV001377760.7), dbSNP rs774570599, ClinGen allele CA5739462.